The following is an entry in ClinVar:

ClinVar aggregate classification (germline): Conflicting classifications of pathogenicity. Review status: criteria provided, conflicting classifications (1 of 4 stars). 3 submissions from 3 submitters: Uncertain significance (2); Likely benign (1). Last evaluated 2024-06-11.

Conditions:
Inborn genetic diseases. Identifiers: MedGen C0950123, MeSH D030342.

Allele frequency attached by ClinVar (database versions not stated): gnomAD 0.00001; gnomAD exomes 0.00002; ExAC 0.00012.
gnomAD v4.1: 40 of 1,613,786 alleles (0.0025%); highest among the groups gnomAD compares: South Asian, 0.019%; no homozygotes.

Submissions (3):

Ambry Genetics
Classification: Uncertain significance for Inborn genetic diseases. Last evaluated: 2024-06-11. Review status: criteria provided, single submitter. Criteria: Ambry Variant Classification Scheme 2023. Collection method: clinical testing. Allele origin: germline.

Labcorp Genetics (formerly Invitae), Labcorp
Classification: Uncertain significance. Last evaluated: 2022-06-27. Review status: criteria provided, single submitter. Criteria: Invitae Variant Classification Sherloc (09022015). Collection method: clinical testing. Allele origin: germline.
Comment: In summary, the available evidence is currently insufficient to determine the role of this variant in disease. Therefore, it has been classified as a Variant of Uncertain Significance. Algorithms developed to predict the effect of missense changes on protein structure and function are either unavailable or do not agree on the potential impact of this missense change (SIFT: "Tolerated"; PolyPhen-2: "Possibly Damaging"; Align-GVGD: "Class C15"). This variant has not been reported in the literature in individuals affected with PRPF31-related conditions. This variant is present in population databases (rs761762752, gnomAD 0.02%). This sequence change replaces isoleucine, which is neutral and non-polar, with valine, which is neutral and non-polar, at codon 222 of the PRPF31 protein (p.Ile222Val).

Blueprint Genetics
Classification: Likely benign. Last evaluated: 2021-08-30. Review status: criteria provided, single submitter. Criteria: ACMG Guidelines, 2015. Collection method: clinical testing. Allele origin: germline.

NM_015629.4(PRPF31):c.664A>G (p.Ile222Val)

Gene: PRPF31 (pre-mRNA processing factor 31; plus strand). Cytogenetic location: 19q13.42.
Variant type: single nucleotide variant.
Coding change: c.664A>G on transcript NM_015629.4 (MANE Select); coding-DNA position 664, A replaced by G.
Protein change: p.Ile222Val; replaces isoleucine 222 with valine.
Molecular consequence: missense variant.
Genome position (GRCh38, 1-based): chr19:54,123,885, A>G. VCF-style: chr19-54123885-A-G. GRCh37 (hg19) VCF-style: chr19-54627264-A-G.
Other names: c.664A>G (NM_015629.3); short protein forms I222V.
Identifiers: ClinVar variation 1951709 (VCV001951709.7), dbSNP rs761762752, ClinGen allele CA309325321.